The following is an entry in ClinVar:

ClinVar aggregate classification (germline): Uncertain significance. Review status: criteria provided, multiple submitters, no conflicts (2 of 4 stars). 2 submissions from 2 submitters: Uncertain significance (2). Last evaluated 2025-01-16.

Submissions (2):

GeneDx
Classification: Uncertain significance. Last evaluated: 2025-01-16. Review status: criteria provided, single submitter. Criteria: GeneDx Variant Classification Process June 2021. Collection method: clinical testing. Allele origin: germline. Affected: yes.
Comment: Not observed at significant frequency in large population cohorts (gnomAD); In silico analysis indicates that this missense variant does not alter protein structure/function; Has not been previously published as pathogenic or benign to our knowledge

Labcorp Genetics (formerly Invitae), Labcorp
Classification: Uncertain significance. Last evaluated: 2024-10-12. Review status: criteria provided, single submitter. Criteria: Invitae Variant Classification Sherloc (09022015). Collection method: clinical testing. Allele origin: germline.
Comment: This sequence change replaces threonine, which is neutral and polar, with isoleucine, which is neutral and non-polar, at codon 550 of the PPP2R5D protein (p.Thr550Ile). This variant is not present in population databases (gnomAD no frequency). This variant has not been reported in the literature in individuals affected with PPP2R5D-related conditions. An algorithm developed to predict the effect of missense changes on protein structure and function (PolyPhen-2) suggests that this variant is likely to be tolerated. In summary, the available evidence is currently insufficient to determine the role of this variant in disease. Therefore, it has been classified as a Variant of Uncertain Significance.

NM_006245.4(PPP2R5D):c.1649C>T (p.Thr550Ile)

Gene: PPP2R5D (protein phosphatase 2 regulatory subunit B'delta; plus strand). Cytogenetic location: 6p21.1.
Variant type: single nucleotide variant.
Coding change: c.1649C>T on transcript NM_006245.4 (MANE Select); coding-DNA position 1649, C replaced by T.
Protein change: p.Thr550Ile; replaces threonine 550 with isoleucine.
Molecular consequence: missense variant.
Genome position (GRCh38, 1-based): chr6:43,010,975, C>T. VCF-style: chr6-43010975-C-T. GRCh37 (hg19) VCF-style: chr6-42978713-C-T.
Other names: c.1196C>T, p.Thr399Ile (NM_001270476.2); c.1553C>T, p.Thr518Ile (NM_180976.3); c.1331C>T, p.Thr444Ile (NM_180977.3); c.1649C>T (NM_006245.3); short protein forms T444I, T399I, T550I, T518I.
Identifiers: ClinVar variation 3722761 (VCV003722761.3).